The following is an entry in ClinVar:

ClinVar aggregate classification (germline): Uncertain significance. Review status: criteria provided, multiple submitters, no conflicts (2 of 4 stars). 2 submissions from 2 submitters: Uncertain significance (2). Last evaluated 2025-04-09.

Conditions:
PCSK1-related disorder. Also called: PCSK1-related condition.

Allele frequency attached by ClinVar (database versions not stated): gnomAD exomes below 0.00001; TOPMed below 0.00001; ExAC 0.00001; gnomAD 0.00001.
gnomAD v4.1: 5 of 1,605,730 alleles (0.00031%); highest among the groups gnomAD compares: Admixed American, 0.005%; no homozygotes.

Submissions (2):

PreventionGenetics, part of Exact Sciences
Classification: Uncertain significance for PCSK1-related condition. Last evaluated: 2025-04-09. Review status: criteria provided, single submitter. Criteria: ACMG Guidelines, 2015. Collection method: clinical testing. Allele origin: germline.
Comment: The PCSK1 c.1433C>A variant is predicted to result in the amino acid substitution p.Ala478Asp. This variant was observed in a cohort of individuals with obesity, and in vitro functional studies showed inconclusive evidence of loss of function (Supplemental Data Set, Shah et al. 2023. PubMed ID: 36864747). This variant is reported in 0.0058% of alleles in individuals of Latino descent in gnomAD. At this time, the clinical significance of this variant is uncertain due to the absence of conclusive functional and genetic evidence.

Labcorp Genetics (formerly Invitae), Labcorp
Classification: Uncertain significance. Last evaluated: 2022-08-05. Review status: criteria provided, single submitter. Criteria: Invitae Variant Classification Sherloc (09022015). Collection method: clinical testing. Allele origin: germline.
Comment: Algorithms developed to predict the effect of sequence changes on RNA splicing suggest that this variant may create or strengthen a splice site. In summary, the available evidence is currently insufficient to determine the role of this variant in disease. Therefore, it has been classified as a Variant of Uncertain Significance. Algorithms developed to predict the effect of missense changes on protein structure and function (SIFT, PolyPhen-2, Align-GVGD) all suggest that this variant is likely to be tolerated. This variant has not been reported in the literature in individuals affected with PCSK1-related conditions. This variant is present in population databases (rs749212215, gnomAD 0.006%). This sequence change replaces alanine, which is neutral and non-polar, with aspartic acid, which is acidic and polar, at codon 478 of the PCSK1 protein (p.Ala478Asp).

NM_000439.5(PCSK1):c.1433C>A (p.Ala478Asp)

Genes: PCSK1 (proprotein convertase subtilisin/kexin type 1; minus strand), CAST (calpastatin; plus strand), LOC101929710 (uncharacterized LOC101929710; plus strand). Cytogenetic location: 5q15.
Variant type: single nucleotide variant.
Coding change: c.1433C>A on transcript NM_000439.5 (MANE Select); coding-DNA position 1433, C replaced by A.
Protein change: p.Ala478Asp; replaces alanine 478 with aspartic acid.
Molecular consequence: missense variant.
Genome position (GRCh38, 1-based): chr5:96,399,034, G>T on the plus strand (C>A on the coding strand, the complement: PCSK1 is on the minus strand). VCF-style: chr5-96399034-G-T. GRCh37 (hg19) VCF-style: chr5-95734738-G-T.
Other names: c.1433C>A (NM_000439.4); c.1292C>A, p.Ala431Asp (NM_001177875.2); short protein forms A478D, A431D.
Identifiers: ClinVar variation 2185435 (VCV002185435.6), dbSNP rs749212215, ClinGen allele CA3350210.